The following is an entry in ClinVar:

ClinVar aggregate classification (germline): Uncertain significance. Review status: criteria provided, multiple submitters, no conflicts (2 of 4 stars). 2 submissions from 2 submitters: Uncertain significance (2). Last evaluated 2025-06-27.

Conditions:
Propionic acidemia (PROP). Also called: GLYCINEMIA, KETOTIC; HYPERGLYCINEMIA WITH KETOACIDOSIS AND LEUKOPENIA; KETOTIC HYPERGLYCINEMIA. Identifiers: Orphanet 35, MedGen C0268579, MONDO:0011628, OMIM 606054, HP:0003571.
Inborn genetic diseases. Identifiers: MedGen C0950123, MeSH D030342.

Allele frequency attached by ClinVar (database versions not stated): ExAC 0.00002; TOPMed 0.00002; gnomAD 0.00003; gnomAD exomes 0.00003.
gnomAD v4.1: 43 of 1,613,074 alleles (0.0027%); highest among the groups gnomAD compares: Non-Finnish European, 0.0032%; no homozygotes.

Submissions (2):

Ambry Genetics
Classification: Uncertain significance for Inborn genetic diseases. Last evaluated: 2025-06-27. Review status: criteria provided, single submitter. Criteria: Ambry Variant Classification Scheme 2023. Collection method: clinical testing. Allele origin: germline.

Labcorp Genetics (formerly Invitae), Labcorp
Classification: Uncertain significance for Propionic acidemia. Last evaluated: 2022-02-07. Review status: criteria provided, single submitter. Criteria: Invitae Variant Classification Sherloc (09022015). Collection method: clinical testing. Allele origin: germline.
Comment: This sequence change replaces alanine, which is neutral and non-polar, with threonine, which is neutral and polar, at codon 467 of the PCCA protein (p.Ala467Thr). This variant is present in population databases (rs781498064, gnomAD 0.006%). This variant has not been reported in the literature in individuals affected with PCCA-related conditions. Advanced modeling of protein sequence and biophysical properties (such as structural, functional, and spatial information, amino acid conservation, physicochemical variation, residue mobility, and thermodynamic stability) performed at Invitae indicates that this missense variant is not expected to disrupt PCCA protein function. In summary, the available evidence is currently insufficient to determine the role of this variant in disease. Therefore, it has been classified as a Variant of Uncertain Significance.

NM_000282.4(PCCA):c.1399G>A (p.Ala467Thr)

Gene: PCCA (propionyl-CoA carboxylase subunit alpha; plus strand). Cytogenetic location: 13q32.3.
Variant type: single nucleotide variant.
Coding change: c.1399G>A on transcript NM_000282.4 (MANE Select); coding-DNA position 1399, G replaced by A.
Protein change: p.Ala467Thr; replaces alanine 467 with threonine.
Molecular consequence: missense variant. On other transcripts: non-coding transcript variant (5).
Genome position (GRCh38, 1-based): chr13:100,309,878, G>A. VCF-style: chr13-100309878-G-A. GRCh37 (hg19) VCF-style: chr13-100962132-G-A.
Other names: c.1321G>A, p.Ala441Thr (NM_001127692.3, NM_001352607.2); c.1399G>A, p.Ala467Thr (NM_001178004.2, NM_001352605.2, NM_001352609.2); c.1255G>A, p.Ala419Thr (NM_001352606.2); c.1177G>A, p.Ala393Thr (NM_001352608.2); c.454G>A, p.Ala152Thr (NM_001352610.2, NM_001352611.2); c.310G>A, p.Ala104Thr (NM_001352612.2); c.1399G>A (NM_000282.3); short protein forms A104T, A441T, A152T, A393T, A419T, A467T.
Identifiers: ClinVar variation 2153464 (VCV002153464.2), dbSNP rs781498064, ClinGen allele CA7033638.